The following is an entry in ClinVar:

ClinVar aggregate classification (germline): Uncertain significance. Review status: criteria provided, multiple submitters, no conflicts (2 of 4 stars). 5 submissions from 5 submitters: Uncertain significance (4). 1 of the submissions does not count toward it. Last evaluated 2024-02-02.

Conditions:
Familial thoracic aortic aneurysm and aortic dissection (TAAD). Also called: Thoracic aortic aneurysms and dissections. Identifiers: Orphanet 91387, MedGen C4707243, MONDO:0019625.
Weill-Marchesani syndrome 2, dominant. Also called: Weill-Marchesani Syndrome, Autosomal Dominant; FBN1-Related Weill-Marchesani Syndrome. Identifiers: Orphanet 2084, MedGen C1869115, MONDO:0012013, OMIM 608328.
Progeroid and marfanoid aspect-lipodystrophy syndrome. Also called: Marfan lipodystrophy syndrome; MARFANOID-PROGEROID SYNDROME; MARFAN-PROGEROID-LIPODYSTROPHY SYNDROME; MARFANOID-PROGEROID-LIPODYSTROPHY SYNDROME. Identifiers: Orphanet 300382, MedGen C4310796, MONDO:0014831, OMIM 616914.
Stiff skin syndrome (SSKS). Identifiers: Orphanet 2833, MedGen C1861456, MONDO:0008492, OMIM 184900.
Acromicric dysplasia (ACMICD). Also called: Acromicric skeletal dysplasia. Identifiers: Orphanet 969, MedGen C0265287, MONDO:0007055, OMIM 102370.
Geleophysic dysplasia 2 (GPHYSD2). Identifiers: Orphanet 2623, MedGen C3280054, MONDO:0013612, OMIM 614185.
Ectopia lentis 1, isolated, autosomal dominant (ECTOL1). Identifiers: Orphanet 1885, MedGen C3541518, MONDO:0007514, OMIM 129600.
Marfan syndrome (MFS). Also called: FBN1-Related Marfan Syndrome; Marfan syndrome type 1; Marfan's syndrome; Marfan syndrome, classic; MARFAN SYNDROME, TYPE I. Identifiers: Orphanet 284963, Orphanet 558, MedGen C0024796, MONDO:0007947, OMIM 154700.
MASS syndrome (OCTD). Also called: MASS PHENOTYPE; OVERLAP CONNECTIVE TISSUE DISEASE. Identifiers: MedGen C1858556, MONDO:0011431, OMIM 604308.
FBN1-related disorder. Also called: FBN1-related disorders.

Allele frequency attached by ClinVar (database versions not stated): ExAC 0.00001; gnomAD 0.00001; TOPMed 0.00001; gnomAD exomes 0.00001.
gnomAD v4.1: 13 of 1,614,052 alleles (0.00081%); highest among the groups gnomAD compares: East Asian, 0.0045%; no homozygotes.

Submissions (5):

Labcorp Genetics (formerly Invitae), Labcorp
Classification: Uncertain significance for Marfan syndrome; Familial thoracic aortic aneurysm and aortic dissection. Last evaluated: 2024-02-02. Review status: criteria provided, single submitter. Criteria: Invitae Variant Classification Sherloc (09022015). Collection method: clinical testing. Allele origin: germline.
Comment: This sequence change replaces arginine, which is basic and polar, with histidine, which is basic and polar, at codon 1428 of the FBN1 protein (p.Arg1428His). This variant is present in population databases (rs778219976, gnomAD 0.003%). This variant has not been reported in the literature in individuals affected with FBN1-related conditions. ClinVar contains an entry for this variant (Variation ID: 626881). Advanced modeling of protein sequence and biophysical properties (such as structural, functional, and spatial information, amino acid conservation, physicochemical variation, residue mobility, and thermodynamic stability) performed at Invitae indicates that this missense variant is expected to disrupt FBN1 protein function with a positive predictive value of 95%. This variant disrupts the p.Arg1428 amino acid residue in FBN1. Other variant(s) that disrupt this residue have been observed in individuals with FBN1-related conditions (PMID: 27112580, 29357934), which suggests that this may be a clinically significant amino acid residue. In summary, the available evidence is currently insufficient to determine the role of this variant in disease. Therefore, it has been classified as a Variant of Uncertain Significance.

GeneDx
Classification: Uncertain significance. Last evaluated: 2023-04-24. Review status: criteria provided, single submitter. Criteria: GeneDx Variant Classification Process June 2021. Collection method: clinical testing. Allele origin: germline. Affected: yes.
Comment: Has been reported as a variant of uncertain significance in an individual with a connective tissue phenotype who also harbored a variant in the ABCC6 gene (Veatch et al., 2022).; Not observed at significant frequency in large population cohorts (gnomAD); In silico analysis supports that this missense variant has a deleterious effect on protein structure/function; Although located in a calcium-binding EGF-like domain of the FBN1 gene, it does not affect a cysteine residue within this domain; cysteine substitutions in the calcium-binding EGF-like domains represent the majority of pathogenic missense changes associated with FBN1-related disorders (Collod-Beroud et al., 2003); This variant is associated with the following publications: (PMID: 35903967, 12938084, 35918752)

Fulgent Genetics
Classification: Uncertain significance for Acromicric dysplasia; Ectopia lentis 1, isolated, autosomal dominant; Marfan syndrome; Stiff skin syndrome; MASS syndrome; Weill-Marchesani syndrome 2, dominant; Geleophysic dysplasia 2; Progeroid and marfanoid aspect-lipodystrophy syndrome. Last evaluated: 2021-09-28. Review status: criteria provided, single submitter. Criteria: ACMG Guidelines, 2015. Collection method: clinical testing. Allele origin: unknown.

CHEO Genetics Diagnostic Laboratory, Children's Hospital of Eastern Ontario
Classification: Uncertain significance for Familial thoracic aortic aneurysm and aortic dissection. Last evaluated: 2017-10-30. Review status: criteria provided, single submitter. Criteria: ACMG Guidelines, 2015. Collection method: clinical testing. Allele origin: germline. Study: Canadian Open Genetics Repository.

PreventionGenetics, part of Exact Sciences
Classification: Uncertain significance for FBN1-related condition. Last evaluated: 2024-09-27. Review status: no assertion criteria provided. Collection method: clinical testing. Allele origin: germline. Not counted in ClinVar's aggregate classification.
Comment: The FBN1 c.4283G>A variant is predicted to result in the amino acid substitution p.Arg1428His. This variant has been reported in an individual with connective tissue, eye, and cardiovascular symptoms (Table S3, Veatch et al. 2022. PubMed ID: 35918752). This variant is reported in 0.0026% of alleles in individuals of European (non-Finnish) descent in gnomAD. Alternate nucleotide changes affecting the same amino acid (p.Arg1428Cys and p.Arg1428Pro) have been reported in individuals with FBN1-related disease (PubMed ID: 27112580; Additional file 1, Becerra-Muñoz. 2018. PubMed ID: 29357934; Table 1, Somers et al. 2016. PubMed ID: 27112580). At this time, the clinical significance of this variant is uncertain due to the absence of conclusive functional and genetic evidence.

Literature cited by the submitters: PubMed 27112580 (cited by Labcorp Genetics (formerly Invitae), Labcorp); PubMed 29357934 (cited by Labcorp Genetics (formerly Invitae), Labcorp).

NM_000138.5(FBN1):c.4283G>A (p.Arg1428His)

Genes: FBN1 (fibrillin 1; minus strand), LOC126862124 (CDK7 strongly-dependent group 2 enhancer GRCh37_chr15:48764566-48765765; plus strand). Cytogenetic location: 15q21.1.
Variant type: single nucleotide variant.
Coding change: c.4283G>A on transcript NM_000138.5 (MANE Select); coding-DNA position 4283, G replaced by A.
Protein change: p.Arg1428His; replaces arginine 1428 with histidine.
Molecular consequence: missense variant.
Genome position (GRCh38, 1-based): chr15:48,472,604, C>T on the plus strand (G>A on the coding strand, the complement: FBN1 is on the minus strand). VCF-style: chr15-48472604-C-T. GRCh37 (hg19) VCF-style: chr15-48764801-C-T.
Other names: short protein forms R1428H.
Identifiers: ClinVar variation 626881 (VCV000626881.11), dbSNP rs778219976, ClinGen allele CA052408.